The following is an entry in ClinVar:

NM_000718.4(CACNA1B):c.6163C>T (p.Arg2055Cys)

Gene: CACNA1B (calcium voltage-gated channel subunit alpha1 B; plus strand). Cytogenetic location: 9q34.3.
Variant type: single nucleotide variant.
Coding change: c.6163C>T on transcript NM_000718.4 (MANE Select); coding-DNA position 6163, C replaced by T.
Protein change: p.Arg2055Cys; replaces arginine 2055 with cysteine.
Molecular consequence: missense variant.
Genome position (GRCh38, 1-based): chr9:138,120,297, C>T. VCF-style: chr9-138120297-C-T. GRCh37 (hg19) VCF-style: chr9-141014749-C-T.
Other names: c.6163C>T, p.Arg2055Cys (NM_001243812.2); short protein forms R2055C.
Identifiers: ClinVar variation 3611205 (VCV003611205.1).
Genomic context (GRCh38, chr9:138,120,297, plus strand): 5'-TGCAGCACCACCCCGGACCGCCCACCCCCTAGCCAGGCGTCGTCGCACCACCACCACCAC[C>T]GCTGCCACCGCCGCAGGGACAGGAAGCAGAGGTCCCTGGAGAAGGGGCCCAGCCTGTCTG-3'
Protein context (NP_000709.1, residues 2045-2065): SQASSHHHHH[Arg2055Cys]CHRRRDRKQR

ClinVar aggregate classification (germline): Uncertain significance (1 of 4 stars; one submission).

gnomAD v4.1: 20 of 1,563,790 alleles (0.0013%); highest among the groups gnomAD compares: Admixed American, 0.0018%; no homozygotes.

Submission:

Labcorp Genetics (formerly Invitae), Labcorp
Classification: Uncertain significance. Last evaluated: 2024-10-03. Review status: criteria provided, single submitter. Criteria: Invitae Variant Classification Sherloc (09022015). Collection method: clinical testing. Allele origin: germline.
Comment: This sequence change replaces arginine, which is basic and polar, with cysteine, which is neutral and slightly polar, at codon 2055 of the CACNA1B protein (p.Arg2055Cys). The frequency data for this variant in the population databases is considered unreliable, as metrics indicate poor data quality at this position in the gnomAD database. This variant has not been reported in the literature in individuals affected with CACNA1B-related conditions. An algorithm developed to predict the effect of missense changes on protein structure and function (PolyPhen-2) suggests that this variant is likely to be disruptive. In summary, the available evidence is currently insufficient to determine the role of this variant in disease. Therefore, it has been classified as a Variant of Uncertain Significance.